The following is an entry in ClinVar:

ClinVar aggregate classification (germline): Benign/Likely benign. Review status: criteria provided, multiple submitters, no conflicts (2 of 4 stars). 11 submissions from 11 submitters: Benign (8); Likely benign (2). 1 of the submissions does not count toward it. Last evaluated 2026-02-03.

Conditions:
Kidney disorder. Also called: renal disease; renal disorder; Nephropathy; Kidney disease; Kidney Diseases. Identifiers: MedGen C0022658, MONDO:0005240, HP:0000112.
Schimke immuno-osseous dysplasia (SIOD). Also called: Schimke Immunoosseous Dysplasia. Identifiers: Orphanet 1830, MedGen C0877024, MONDO:0009458, OMIM 242900.

Allele frequency attached by ClinVar (database versions not stated): ESP Exome Variant Server 0.00062; TOPMed 0.00891; ExAC 0.01225; 1000 Genomes Project 0.01757; 1000 Genomes Project 30x 0.01858.

Submissions (11):

Labcorp Genetics (formerly Invitae), Labcorp
Classification: Benign for Schimke immuno-osseous dysplasia. Last evaluated: 2026-02-03. Review status: criteria provided, single submitter. Criteria: Invitae Variant Classification Sherloc (09022015). Collection method: clinical testing. Allele origin: germline.

Blueprint Genetics
Classification: Likely benign. Last evaluated: 2024-11-25. Review status: criteria provided, single submitter. Criteria: ACMG Guidelines, 2015. Collection method: clinical testing. Allele origin: germline.

Mayo Clinic Laboratories, Mayo Clinic
Classification: Benign. Last evaluated: 2023-01-24. Review status: criteria provided, single submitter. Criteria: ACMG Guidelines, 2015. Collection method: clinical testing. Allele origin: germline. Observed: 6 variant alleles.

Fulgent Genetics
Classification: Likely benign for Schimke immuno-osseous dysplasia. Last evaluated: 2021-07-19. Review status: criteria provided, single submitter. Criteria: ACMG Guidelines, 2015. Collection method: clinical testing. Allele origin: unknown.

GeneDx
Classification: Benign. Last evaluated: 2019-12-23. Review status: criteria provided, single submitter. Criteria: GeneDx Variant Classification Process June 2021. Collection method: clinical testing. Allele origin: germline. Affected: yes.

Genome Diagnostics Laboratory, The Hospital for Sick Children
Classification: Benign for Kidney disorder. Last evaluated: 2018-03-01. Review status: criteria provided, single submitter. Criteria: ACMG Guidelines, 2015. Collection method: clinical testing. Allele origin: germline.

Illumina Laboratory Services, Illumina
Classification: Benign for Schimke immuno-osseous dysplasia. Last evaluated: 2018-01-13. Review status: criteria provided, single submitter. Criteria: ICSL Variant Classification Criteria 13 December 2019. Collection method: clinical testing. Allele origin: germline.
Comment: This variant was observed in the ICSL laboratory as part of a predisposition screen in an ostensibly healthy population. It had not been previously curated by ICSL or reported in the Human Gene Mutation Database (HGMD: prior to June 1st, 2018), and was therefore a candidate for classification through an automated scoring system. Utilizing variant allele frequency, disease prevalence and penetrance estimates, and inheritance mode, an automated score was calculated to assess if this variant is too frequent to cause the disease. Based on the score and internal cut-off values, a variant classified as benign is not then subjected to further curation. The score for this variant resulted in a classification of benign for this disease.

Eurofins Ntd Llc (ga)
Classification: Benign. Last evaluated: 2015-01-28. Review status: criteria provided, single submitter. Criteria: EGL Classification Definitions 2015. Collection method: clinical testing. Allele origin: germline. Observed: 2 variant alleles, 2 heterozygotes.

Breakthrough Genomics
Classification: Benign. Review status: criteria provided, single submitter. Criteria: ACMG Guidelines, 2015. Collection method: not provided. Allele origin: germline. Inheritance: Autosomal recessive inheritance. Affected: yes.

PreventionGenetics, part of Exact Sciences
Classification: Benign. Review status: criteria provided, single submitter. Criteria: ACMG Guidelines, 2015. Collection method: clinical testing. Allele origin: germline.

Natera, Inc.
Classification: Benign for Schimke immuno-osseous dysplasia. Last evaluated: 2020-09-16. Review status: no assertion criteria provided. Collection method: clinical testing. Allele origin: germline. Not counted in ClinVar's aggregate classification.

NM_014140.4(SMARCAL1):c.960C>T (p.Ala320=)

Gene: SMARCAL1 (SNF2 related chromatin remodeling annealing helicase 1; plus strand). Cytogenetic location: 2q35.
Variant type: single nucleotide variant.
Coding change: c.960C>T on transcript NM_014140.4 (MANE Select); coding-DNA position 960, C replaced by T.
Protein change: p.Ala320=; no amino-acid change (alanine 320 retained).
Molecular consequence: synonymous variant.
Genome position (GRCh38, 1-based): chr2:216,420,396, C>T. VCF-style: chr2-216420396-C-T. GRCh37 (hg19) VCF-style: chr2-217285119-C-T.
Other names: p.Ala320=; c.960C>T, p.Ala320= (NM_001127207.2).
Identifiers: ClinVar variation 197798 (VCV000197798.30), dbSNP rs2066513, ClinGen allele CA203095.
Genomic context (GRCh38, chr2:216,420,396, plus strand): 5'-GCCTCTGGAATGGGCCTATGGCAGCAGCGAGTCACCCTCCACCAGCAGTGAGGGACAGGC[C>T]GGCCTTCCATCAGCTCCATCCCTTTCATTTGTCAAAGGGCGATGCATGCTCATCTCCAGG-3'
Protein context (NP_054859.2, residues 310-330): ESPSTSSEGQ[Ala320=]GLPSAPSLSF